The following is an entry in ClinVar:

ClinVar aggregate classification (germline): Uncertain significance (1 of 4 stars; one submission).

Submission:

GeneDx
Classification: Uncertain significance. Last evaluated: 2021-12-27. Review status: criteria provided, single submitter. Criteria: GeneDx Variant Classification Process June 2021. Collection method: clinical testing. Allele origin: germline. Affected: yes.
Comment: Not observed at significant frequency in large population cohorts (gnomAD); In silico analysis supports that this variant does not alter protein structure/function; Has not been previously published as pathogenic or benign to our knowledge

NM_054027.6(ANKH):c.962_963inv (p.Ala321Val)

Gene: ANKH (ANKH inorganic pyrophosphate transport regulator; minus strand). Cytogenetic location: 5p15.2.
Variant type: Inversion.
Coding change: c.962_963inv on transcript NM_054027.6 (MANE Select).
Protein change: p.Ala321Val; replaces alanine 321 with valine.
Molecular consequence: missense variant.
Genome position: GRCh38 VCF-style: chr5-14741875-TG-CA. GRCh37 (hg19) VCF-style: chr5-14741984-TG-CA.
Other names: short protein forms A321V.
Identifiers: ClinVar variation 1693081 (VCV001693081.2), ClinGen allele CA2573138550.